The following is an entry in ClinVar:

NM_004990.4(MARS1):c.2098C>T (p.Arg700Trp)

Gene: MARS1 (methionyl-tRNA synthetase 1; plus strand). Cytogenetic location: 12q13.3.
Variant type: single nucleotide variant.
Coding change: c.2098C>T on transcript NM_004990.4 (MANE Select); coding-DNA position 2098, C replaced by T.
Protein change: p.Arg700Trp; replaces arginine 700 with tryptophan.
Molecular consequence: missense variant.
Genome position (GRCh38, 1-based): chr12:57,514,850, C>T. VCF-style: chr12-57514850-C-T. GRCh37 (hg19) VCF-style: chr12-57908633-C-T.
Other names: short protein forms R700W.
Identifiers: ClinVar variation 1681770 (VCV001681770.6), dbSNP rs771306648, ClinGen allele CA6650697.
Genomic context (GRCh38, chr12:57,514,850, plus strand): 5'-CGCCTGCTGGCCCATGTCACCCTGGAGCTCCAGCACTATCACCAGCTACTTGAGAAGGTT[C>T]GGTAAGTAACTGACACCTCTGTCTTTTCTGCTGGCATGTTGAGAGCCTCCTTGTATTGGT-3'
Protein context (NP_004981.2, residues 690-710): QHYHQLLEKV[Arg700Trp]IRDALRSILT

ClinVar aggregate classification (germline): Uncertain significance (1 of 4 stars; one submission).

Conditions:
Severe early-onset pulmonary alveolar proteinosis due to MARS deficiency. Also called: PULMONARY ALVEOLAR PROTEINOSIS, REUNION ISLAND; Interstitial lung and liver disease. Identifiers: Orphanet 440427, MedGen C4225400, MONDO:0014206, OMIM 615486.
Charcot-Marie-Tooth disease axonal type 2U. Also called: CHARCOT-MARIE-TOOTH NEUROPATHY, TYPE 2U; CHARCOT-MARIE-TOOTH DISEASE, AXONAL, AUTOSOMAL DOMINANT, TYPE 2U. Identifiers: Orphanet 397735, MedGen C4084821, MONDO:0014566, OMIM 616280.

Allele frequency attached by ClinVar (database versions not stated): gnomAD 0.00001; ExAC 0.00002; gnomAD exomes 0.00002.
gnomAD v4.1: 24 of 1,613,710 alleles (0.0015%); highest among the groups gnomAD compares: South Asian, 0.0044%; no homozygotes.

Submission:

Labcorp Genetics (formerly Invitae), Labcorp
Classification: Uncertain significance for Charcot-Marie-Tooth disease axonal type 2U; Severe early-onset pulmonary alveolar proteinosis due to MARS deficiency. Last evaluated: 2024-01-16. Review status: criteria provided, single submitter. Criteria: Invitae Variant Classification Sherloc (09022015). Collection method: clinical testing. Allele origin: germline.
Comment: This sequence change replaces arginine, which is basic and polar, with tryptophan, which is neutral and slightly polar, at codon 700 of the MARS protein (p.Arg700Trp). This variant is present in population databases (rs771306648, gnomAD 0.007%). This variant has not been reported in the literature in individuals affected with MARS-related conditions. ClinVar contains an entry for this variant (Variation ID: 1681770). An algorithm developed to predict the effect of missense changes on protein structure and function (PolyPhen-2) suggests that this variant is likely to be disruptive. In summary, the available evidence is currently insufficient to determine the role of this variant in disease. Therefore, it has been classified as a Variant of Uncertain Significance.